The following is an entry in ClinVar:

NM_007294.4(BRCA1):c.2071_2171del (p.Lys690_Arg691insTer)

Gene: BRCA1 (BRCA1 DNA repair associated; minus strand). Cytogenetic location: 17q21.31.
Variant type: Deletion.
Coding change: c.2071_2171del on transcript NM_007294.4 (MANE Select); coding-DNA positions 2071 to 2171, 101 bases deleted.
Protein change: p.Lys690_Arg691insTer.
Molecular consequence: nonsense. On other transcripts: intron variant (137).
Genome position (GRCh38, 1-based): chr17:43,093,360-43,093,460, 101 bases deleted. GRCh37 (hg19): chr17:41,245,377-41,245,477.
Other names: c.1945_2045del, p.Lys648_Arg649insTer (NM_001407690.1, NM_001407691.1, NM_001407940.1 and 11 more transcripts); c.1930_2030del, p.Lys643_Arg644insTer (NM_001407692.1, NM_001407694.1, NM_001407695.1 and 29 more transcripts); c.1927_2027del, p.Lys642_Arg643insTer (NM_001407740.1, NM_001407741.1, NM_001407742.1 and 20 more transcripts); c.1858_1958del, p.Lys619_Arg620insTer (NM_001407853.1, NM_001407894.1, NM_001407895.1 and 9 more transcripts); c.2071_2171del, p.Lys690_Arg691insTer (NM_001407854.1, NM_001407858.1, NM_001407859.1 and 30 more transcripts); c.2068_2168del, p.Lys689_Arg690insTer (NM_001407860.1, NM_001407861.1, NM_001407587.1 and 22 more transcripts); c.1870_1970del, p.Lys623_Arg624insTer (NM_001407862.1); c.1948_2048del, p.Lys649_Arg650insTer (NM_001407863.1, NM_001407919.1, NM_001407937.1 and 19 more transcripts); and 41 more.
Identifiers: ClinVar variation 548170 (VCV000548170.2), dbSNP rs1555590294, ClinGen allele CA658824015.

ClinVar aggregate classification (germline): Pathogenic (3 of 4 stars; one submission).

Conditions:
Breast-ovarian cancer, familial, susceptibility to, 1 (BROVCA1). Also called: BRCA1 Hereditary Breast and Ovarian Cancer; OVARIAN CANCER, SUSCEPTIBILITY TO. Identifiers: Orphanet 145, MedGen C2676676, MONDO:0011450, OMIM 604370. Disease mechanism: loss of function.

Submission:

Evidence-based Network for the Interpretation of Germline Mutant Alleles (ENIGMA)
Classification: Pathogenic for Breast-ovarian cancer, familial, susceptibility to, 1. Last evaluated: 2017-12-15. Review status: reviewed by expert panel. Criteria: ENIGMA BRCA1/2 Classification Criteria (2017-06-29). Collection method: curation. Allele origin: germline. Study: ENIGMA.
Comment: Variant allele predicted to encode a truncated non-functional protein.